The following is an entry in ClinVar:

NM_001267550.2(TTN):c.60471C>T (p.Ala20157=)

Genes: TTN (titin; minus strand), TTN-AS1 (TTN antisense RNA 1; plus strand). Cytogenetic location: 2q31.2.
Variant type: single nucleotide variant.
Coding change: c.60471C>T on transcript NM_001267550.2 (MANE Select); coding-DNA position 60471, C replaced by T.
Protein change: p.Ala20157=; no amino-acid change (alanine 20157 retained).
Molecular consequence: synonymous variant. On other transcripts: non-coding transcript variant (1).
Genome position (GRCh38, 1-based): chr2:178,591,254, G>A on the plus strand (C>T on the coding strand, the complement: TTN is on the minus strand). VCF-style: chr2-178591254-G-A. GRCh37 (hg19) VCF-style: chr2-179455981-G-A.
Other names: c.55548C>T, p.Ala18516= (NM_001256850.1); c.52767C>T, p.Ala17589= (NM_133378.4); c.33276C>T, p.Ala11092= (NM_003319.4); c.33651C>T, p.Ala11217= (NM_133432.3); c.33852C>T, p.Ala11284= (NM_133437.4).
Identifiers: ClinVar variation 47161 (VCV000047161.26), dbSNP rs397517645, ClinGen allele CA140175.

ClinVar aggregate classification (germline): Likely benign. Review status: criteria provided, multiple submitters, no conflicts (2 of 4 stars). 9 submissions from 9 submitters: Likely benign (9). Last evaluated 2026-04-22.

Conditions:
TTN-related disorder. Also called: TTN-related condition; TTN-related disease; TTN-related disorders.
Cardiovascular phenotype. Identifiers: MedGen CN230736.
Dilated cardiomyopathy 1G (CMD1G). Identifiers: Orphanet 154, MedGen C1858763, MONDO:0011400, OMIM 604145.
Autosomal recessive limb-girdle muscular dystrophy type 2J (LGMDR10). Also called: Limb-girdle muscular dystrophy, type 2J; MUSCULAR DYSTROPHY, LIMB-GIRDLE, AUTOSOMAL RECESSIVE 10. Identifiers: Orphanet 140922, MedGen C1837342, MONDO:0012127, OMIM 608807.

Allele frequency attached by ClinVar (database versions not stated): ExAC 0.00002; gnomAD exomes 0.00002 and 0.00008; gnomAD 0.00005 and 0.00006; TOPMed 0.00006.
gnomAD v4.1: 125 of 1,613,166 alleles (0.0077%); highest among the groups gnomAD compares: Non-Finnish European, 0.0093%; no homozygotes.

Submissions (9):

PreventionGenetics, part of Exact Sciences
Classification: Likely benign for TTN-related condition. Last evaluated: 2026-04-22. Review status: criteria provided, single submitter. Criteria: ACMG Guidelines, 2015. Collection method: clinical testing. Allele origin: germline.
Comment: This variant is classified as likely benign based on ACMG/AMP sequence variant interpretation guidelines (Richards et al. 2015 PMID: 25741868, with internal and published modifications).

Labcorp Genetics (formerly Invitae), Labcorp
Classification: Likely benign for Dilated cardiomyopathy 1G; Autosomal recessive limb-girdle muscular dystrophy type 2J. Last evaluated: 2026-01-28. Review status: criteria provided, single submitter. Criteria: Invitae Variant Classification Sherloc (09022015). Collection method: clinical testing. Allele origin: germline.

CeGaT Center for Human Genetics Tuebingen
Classification: Likely benign. Last evaluated: 2026-01-01. Review status: criteria provided, single submitter. Criteria: CeGaT Center For Human Genetics Tuebingen Variant Classification Criteria Version 2. Collection method: clinical testing. Allele origin: germline. Affected: yes. Observed: 1 variant allele.
Comment: TTN: BP4, BP7

Women's Health and Genetics/Laboratory Corporation of America, LabCorp
Classification: Likely benign. Last evaluated: 2025-07-21. Review status: criteria provided, single submitter. Criteria: LabCorp Variant Classification Summary - May 2015. Collection method: clinical testing. Allele origin: germline.

Molecular Diagnostic Laboratory for Inherited Cardiovascular Disease, Montreal Heart Institute
Classification: Likely benign. Last evaluated: 2025-04-09. Review status: criteria provided, single submitter. Criteria: ACMG Guidelines, 2015. Collection method: clinical testing. Allele origin: germline. Affected: no.

Blueprint Genetics
Classification: Likely benign. Last evaluated: 2024-09-23. Review status: criteria provided, single submitter. Criteria: ACMG Guidelines, 2015. Collection method: clinical testing. Allele origin: germline.

Ambry Genetics
Classification: Likely benign for Cardiovascular phenotype. Last evaluated: 2020-08-10. Review status: criteria provided, single submitter. Criteria: Ambry Variant Classification Scheme 2023. Collection method: clinical testing. Allele origin: germline.

GeneDx
Classification: Likely benign. Last evaluated: 2016-11-07. Review status: criteria provided, single submitter. Criteria: GeneDx Variant Classification (06012015). Collection method: clinical testing. Allele origin: germline. Affected: yes.
Comment: This variant is considered likely benign or benign based on one or more of the following criteria: it is a conservative change, it occurs at a poorly conserved position in the protein, it is predicted to be benign by multiple in silico algorithms, and/or has population frequency not consistent with disease.

Laboratory for Molecular Medicine, Mass General Brigham Personalized Medicine
Classification: Likely benign. Last evaluated: 2011-12-16. Review status: criteria provided, single submitter. Criteria: LMM Criteria. Collection method: clinical testing. Allele origin: germline. Observed: 1 variant allele.
Comment: Ala17589Ala in exon 253 of TTN: This variant is not expected to have clinical si gnificance because it does not alter an amino acid residue, is not located withi n the splice consensus sequence. Ala17589Ala in exon 253 of TTN (allele fre quency = n/a)